The following is an entry in ClinVar:

NC_000014.9:g.100835512T>C

Gene: MEG3 (maternally expressed 3; plus strand). Cytogenetic location: 14q32.2.
Variant type: single nucleotide variant.
Genome position: GRCh38 VCF-style: chr14-100835512-T-C. GRCh37 (hg19) VCF-style: chr14-101301849-T-C.
Identifiers: ClinVar variation 2644542 (VCV002644542.24), dbSNP rs2503787604, ClinGen allele CA487911702.

ClinVar aggregate classification (germline): Uncertain significance (1 of 4 stars; one submission).

Submission:

CeGaT Center for Human Genetics Tuebingen
Classification: Uncertain significance. Last evaluated: 2022-12-01. Review status: criteria provided, single submitter. Criteria: CeGaT Center For Human Genetics Tuebingen Variant Classification Criteria Version 2. Collection method: clinical testing. Allele origin: germline. Affected: yes. Observed: 1 variant allele.
Comment: MEG3: PM2